The following is an entry in ClinVar:

ClinVar aggregate classification (germline): Likely pathogenic (1 of 4 stars; one submission).

Conditions:
Arrhythmogenic right ventricular dysplasia 9 (ARVD9). Also called: Arrhythmogenic Right Ventricular Dysplasia/Cardiomyopathy 9; ARRHYTHMOGENIC RIGHT VENTRICULAR DYSPLASIA, FAMILIAL, 9. Identifiers: MedGen C1836906, MONDO:0012180, OMIM 609040.

Submission:

Labcorp Genetics (formerly Invitae), Labcorp
Classification: Likely pathogenic for Arrhythmogenic right ventricular dysplasia 9. Last evaluated: 2019-10-04. Review status: criteria provided, single submitter. Criteria: Invitae Variant Classification Sherloc (09022015). Collection method: clinical testing. Allele origin: unknown.
Comment: In summary, the currently available evidence indicates that the variant is pathogenic, but additional data are needed to prove that conclusively. Therefore, this variant has been classified as Likely Pathogenic. Loss-of-function variants in PKP2 are known to be pathogenic (PMID: 15489853, 23911551). This variant has not been reported in the literature in individuals with PKP2-related conditions. This variant is a deletion of the genomic region encompassing exon 7 and part of exon 6 (c.1471_1689-1250del) of the PKP2 gene. It is expected to disrupt RNA splicing and likely results in an absent or disrupted protein product.

Literature cited by the submitters: PubMed 15489853; PubMed 23911551.

NC_000012.11:g.(?_32978346)_(32996155_?)del

Gene: PKP2 (plakophilin 2; minus strand). Cytogenetic location: 12p11.21.
Variant type: Deletion.
Identifiers: ClinVar variation 3244298 (VCV003244298.1).